The following is an entry in ClinVar:

NM_000264.5(PTCH1):c.4334G>A (p.Ser1445Asn)

Gene: PTCH1 (patched 1; minus strand). Cytogenetic location: 9q22.32.
Variant type: single nucleotide variant.
Coding change: c.4334G>A on transcript NM_000264.5 (MANE Select); coding-DNA position 4334, G replaced by A.
Protein change: p.Ser1445Asn; replaces serine 1445 with asparagine.
Molecular consequence: missense variant. On other transcripts: non-coding transcript variant (1).
Genome position (GRCh38, 1-based): chr9:95,446,922, C>T on the plus strand (G>A on the coding strand, the complement: PTCH1 is on the minus strand). VCF-style: chr9-95446922-C-T. GRCh37 (hg19) VCF-style: chr9-98209204-C-T.
Other names: c.4136G>A, p.Ser1379Asn (NM_001083602.3); c.4331G>A, p.Ser1444Asn (NM_001083603.3); c.3881G>A, p.Ser1294Asn (NM_001083604.3, NM_001083605.3, NM_001083606.3 and 1 more transcripts); c.4178G>A, p.Ser1393Asn (NM_001354918.2); c.4334G>A (NM_000264.4); short protein forms S1393N, S1294N, S1379N, S1444N, S1445N.
Identifiers: ClinVar variation 665060 (VCV000665060.18), dbSNP rs770268061, ClinGen allele CA5137896.
Genomic context (GRCh38, chr9:95,446,922, plus strand): 5'-TCTTTGCCTGGCTCTAGGTCCCTTGGCTGCCCTTGTCAGTGGCACTCACCTCAGTTGGAG[C>T]TGCTTCCCCGGGGCCTCTCCTCGCATTCCACGTCCTGCAGCTCAATGACTTCCACCTTCG-3'
Protein context (NP_000255.2, residues 1435-1447): VECEERPRGS[Ser1445Asn]SN

ClinVar aggregate classification (germline): Conflicting classifications of pathogenicity. Review status: criteria provided, conflicting classifications (1 of 4 stars). 3 submissions from 3 submitters: Uncertain significance (2); Likely benign (1). Last evaluated 2025-12-15.

Conditions:
Hereditary cancer-predisposing syndrome. Also called: Neoplastic Syndromes, Hereditary; Hereditary neoplastic syndrome; Tumor predisposition; Hereditary Cancer Syndrome. Identifiers: Orphanet 140162, MedGen C0027672, MeSH D009386, MONDO:0015356.
Gorlin syndrome. Also called: Nevoid Basal Cell Carcinoma Syndrome; Basal cell nevus syndrome. Identifiers: Orphanet 377, MedGen C0004779, MONDO:0007187.

Allele frequency attached by ClinVar (database versions not stated): gnomAD 0.00001; ExAC 0.00002; gnomAD exomes 0.00002 and 0.00003; TOPMed 0.00003.
gnomAD v4.1: 28 of 1,613,918 alleles (0.0017%); highest among the groups gnomAD compares: Admixed American, 0.0067%; no homozygotes.

Submissions (3):

Labcorp Genetics (formerly Invitae), Labcorp
Classification: Uncertain significance for Gorlin syndrome. Last evaluated: 2025-12-15. Review status: criteria provided, single submitter. Criteria: Invitae Variant Classification Sherloc (09022015). Collection method: clinical testing. Allele origin: germline.
Comment: This sequence change replaces serine, which is neutral and polar, with asparagine, which is neutral and polar, at codon 1445 of the PTCH1 protein (p.Ser1445Asn). This variant is present in population databases (rs770268061, gnomAD 0.01%). This variant has not been reported in the literature in individuals affected with PTCH1-related conditions. ClinVar contains an entry for this variant (Variation ID: 665060). Invitae Evidence Modeling of protein sequence and biophysical properties (such as structural, functional, and spatial information, amino acid conservation, physicochemical variation, residue mobility, and thermodynamic stability) indicates that this missense variant is not expected to disrupt PTCH1 protein function with a negative predictive value of 95%. In summary, the available evidence is currently insufficient to determine the role of this variant in disease. Therefore, it has been classified as a Variant of Uncertain Significance.

Quest Diagnostics Nichols Institute San Juan Capistrano
Classification: Uncertain significance. Last evaluated: 2025-01-09. Review status: criteria provided, single submitter. Criteria: Quest Diagnostics criteria. Collection method: clinical testing. Allele origin: unknown.
Comment: The PTCH1 c.4334G>A (p.Ser1445Asn) variant has not been reported in individuals with PTCH1-related conditions in the published literature. The frequency of this variant in the general population (Genome Aggregation Database) is higher than would generally be expected for pathogenic variants in this gene. Analysis of this variant using bioinformatics tools for the prediction of the effect of amino acid changes on protein structure and function yielded predictions that this variant is benign. Based on the available information, we are unable to determine the clinical significance of this variant.

Ambry Genetics
Classification: Likely benign for Hereditary cancer-predisposing syndrome. Last evaluated: 2023-12-08. Review status: criteria provided, single submitter. Criteria: Ambry Variant Classification Scheme 2023. Collection method: clinical testing. Allele origin: germline.